The following is an entry in ClinVar:

ClinVar aggregate classification (germline): Uncertain significance (1 of 4 stars; one submission).

Conditions:
Dyskeratosis congenita, autosomal dominant 2. Identifiers: MedGen C3151443, MONDO:0013521, OMIM 613989.
Idiopathic Pulmonary Fibrosis. Also called: Idiopathic fibrosing alveolitis, chronic form; idiopathic fibrosing alveolitis. Identifiers: Orphanet 2032, MedGen C1800706, MeSH D054990, MONDO:0800504.

gnomAD v4.1: 1 of 1,542,622 alleles (0.000065%); highest among the groups gnomAD compares: African/African-American, 0.0014%; no homozygotes.

Submission:

Labcorp Genetics (formerly Invitae), Labcorp
Classification: Uncertain significance for Dyskeratosis congenita, autosomal dominant 2; Idiopathic Pulmonary Fibrosis. Last evaluated: 2025-11-27. Review status: criteria provided, single submitter. Criteria: Invitae Variant Classification Sherloc (09022015). Collection method: clinical testing. Allele origin: germline.
Comment: This sequence change replaces proline, which is neutral and non-polar, with serine, which is neutral and polar, at codon 322 of the TERT protein (p.Pro322Ser). This variant is not present in population databases (gnomAD no frequency). This variant has not been reported in the literature in individuals affected with TERT-related conditions. ClinVar contains an entry for this variant (Variation ID: 2049209). An algorithm developed to predict the effect of missense changes on protein structure and function outputs the following: PolyPhen-2: "Benign". The serine amino acid residue is found in multiple mammalian species, which suggests that this missense change does not adversely affect protein function. In summary, the available evidence is currently insufficient to determine the role of this variant in disease. Therefore, it has been classified as a Variant of Uncertain Significance.

NM_198253.3(TERT):c.964C>T (p.Pro322Ser)

Gene: TERT (telomerase reverse transcriptase; minus strand). Cytogenetic location: 5p15.33.
Variant type: single nucleotide variant.
Coding change: c.964C>T on transcript NM_198253.3 (MANE Select); coding-DNA position 964, C replaced by T.
Protein change: p.Pro322Ser; replaces proline 322 with serine.
Molecular consequence: missense variant. On other transcripts: non-coding transcript variant (2).
Genome position (GRCh38, 1-based): chr5:1,293,922, G>A on the plus strand (C>T on the coding strand, the complement: TERT is on the minus strand). VCF-style: chr5-1293922-G-A. GRCh37 (hg19) VCF-style: chr5-1294037-G-A.
Other names: c.964C>T, p.Pro322Ser (NM_001193376.3, NM_003219.1); short protein forms P322S.
Identifiers: ClinVar variation 2049209 (VCV002049209.4), dbSNP rs1751177770, ClinGen allele CA359056062.